The following is an entry in ClinVar:

ClinVar aggregate classification (germline): Conflicting classifications of pathogenicity. Review status: criteria provided, conflicting classifications (1 of 4 stars). 3 submissions from 3 submitters: Uncertain significance (1); Likely benign (1). 1 of the submissions does not count toward it. Last evaluated 2025-06-22.

Conditions:
Familial thoracic aortic aneurysm and aortic dissection (TAAD). Also called: Thoracic aortic aneurysms and dissections. Identifiers: Orphanet 91387, MedGen C4707243, MONDO:0019625.
Congenital contractural arachnodactyly (CCA). Also called: BEALS SYNDROME; Arthrogryposis, distal, type 9; Beals-Hecht syndrome. Identifiers: Orphanet 115, MedGen C0220668, MONDO:0007363, OMIM 121050.

Allele frequency attached by ClinVar (database versions not stated): gnomAD exomes 0.00006; ExAC 0.00009; TOPMed 0.00011; ESP Exome Variant Server 0.00015; gnomAD 0.00017 and 0.00019; 1000 Genomes Project 30x 0.00094; 1000 Genomes Project 0.00120.
gnomAD v4.1: 81 of 1,593,738 alleles (0.0051%); highest among the groups gnomAD compares: African/African-American, 0.082%; 1 homozygote.

Submissions (3):

Labcorp Genetics (formerly Invitae), Labcorp
Classification: Likely benign for Congenital contractural arachnodactyly. Last evaluated: 2025-06-22. Review status: criteria provided, single submitter. Criteria: Invitae Variant Classification Sherloc (09022015). Collection method: clinical testing. Allele origin: germline.

Ambry Genetics
Classification: Uncertain significance for Familial thoracic aortic aneurysm and aortic dissection. Last evaluated: 2019-04-26. Review status: criteria provided, single submitter. Criteria: Ambry Variant Classification Scheme 2023. Collection method: clinical testing. Allele origin: germline.
Comment: The p.T2567I variant (also known as c.7700C>T), located in coding exon 60 of the FBN2 gene, results from a C to T substitution at nucleotide position 7700. The threonine at codon 2567 is replaced by isoleucine, an amino acid with similar properties. This amino acid position is highly conserved in available vertebrate species. In addition, this alteration is predicted to be deleterious by in silico analysis. Since supporting evidence is limited at this time, the clinical significance of this alteration remains unclear.

Bioscientia Institut fuer Medizinische Diagnostik GmbH, Sonic Healthcare
Classification: Uncertain significance for Congenital contractural arachnodactyly. Last evaluated: 2019-06-25. Review status: no assertion criteria provided. Collection method: clinical testing. Allele origin: germline. Affected: yes. Not counted in ClinVar's aggregate classification.

NM_001999.4(FBN2):c.7700C>T (p.Thr2567Ile)

Gene: FBN2 (fibrillin 2; minus strand). Cytogenetic location: 5q23.3.
Variant type: single nucleotide variant.
Coding change: c.7700C>T on transcript NM_001999.4 (MANE Select); coding-DNA position 7700, C replaced by T.
Protein change: p.Thr2567Ile; replaces threonine 2567 with isoleucine.
Molecular consequence: missense variant.
Genome position (GRCh38, 1-based): chr5:128,274,578, G>A on the plus strand (C>T on the coding strand, the complement: FBN2 is on the minus strand). VCF-style: chr5-128274578-G-A. GRCh37 (hg19) VCF-style: chr5-127610270-G-A.
Other names: short protein forms T2567I.
Identifiers: ClinVar variation 645850 (VCV000645850.14), dbSNP rs150672907, ClinGen allele CA3394047.